The following is an entry in ClinVar:

ClinVar aggregate classification (germline): Uncertain significance (1 of 4 stars; one submission).

Allele frequency attached by ClinVar (database versions not stated): ExAC 0.00001; gnomAD 0.00002.
gnomAD v4.1: 10 of 1,591,050 alleles (0.00063%); highest among the groups gnomAD compares: Middle Eastern, 0.017%; no homozygotes.

Submission:

Labcorp Genetics (formerly Invitae), Labcorp
Classification: Uncertain significance. Last evaluated: 2024-05-01. Review status: criteria provided, single submitter. Criteria: Invitae Variant Classification Sherloc (09022015). Collection method: clinical testing. Allele origin: germline.
Comment: This sequence change replaces arginine, which is basic and polar, with glutamine, which is neutral and polar, at codon 331 of the CEP89 protein (p.Arg331Gln). This variant is present in population databases (rs749149514, gnomAD 0.004%). This variant has not been reported in the literature in individuals affected with CEP89-related conditions. An algorithm developed to predict the effect of missense changes on protein structure and function (PolyPhen-2) suggests that this variant is likely to be disruptive. In summary, the available evidence is currently insufficient to determine the role of this variant in disease. Therefore, it has been classified as a Variant of Uncertain Significance.

NM_032816.5(CEP89):c.992G>A (p.Arg331Gln)

Gene: CEP89 (centrosomal protein 89; minus strand). Cytogenetic location: 19q13.11.
Variant type: single nucleotide variant.
Coding change: c.992G>A on transcript NM_032816.5 (MANE Select); coding-DNA position 992, G replaced by A.
Protein change: p.Arg331Gln; replaces arginine 331 with glutamine.
Molecular consequence: missense variant.
Genome position (GRCh38, 1-based): chr19:32,931,466, C>T on the plus strand (G>A on the coding strand, the complement: CEP89 is on the minus strand). VCF-style: chr19-32931466-C-T. GRCh37 (hg19) VCF-style: chr19-33422372-C-T.
Other names: short protein forms R331Q.
Identifiers: ClinVar variation 2968062 (VCV002968062.3), dbSNP rs749149514, ClinGen allele CA9359464.